The following is an entry in ClinVar:

NM_001267550.2(TTN):c.95222C>T (p.Thr31741Ile)

Genes: TTN-AS1 (TTN antisense RNA 1; plus strand), TTN (titin; minus strand). Cytogenetic location: 2q31.2.
Variant type: single nucleotide variant.
Coding change: c.95222C>T on transcript NM_001267550.2 (MANE Select); coding-DNA position 95222, C replaced by T.
Protein change: p.Thr31741Ile; replaces threonine 31741 with isoleucine.
Molecular consequence: missense variant.
Genome position (GRCh38, 1-based): chr2:178,546,014, G>A on the plus strand (C>T on the coding strand, the complement: TTN is on the minus strand). VCF-style: chr2-178546014-G-A. GRCh37 (hg19) VCF-style: chr2-179410741-G-A.
Other names: c.90299C>T, p.Thr30100Ile (NM_001256850.1); c.68027C>T, p.Thr22676Ile (NM_003319.4); c.87518C>T, p.Thr29173Ile (NM_133378.4); c.68402C>T, p.Thr22801Ile (NM_133432.3); c.68603C>T, p.Thr22868Ile (NM_133437.4); short protein forms T31741I, T22801I, T22868I, T30100I, T22676I, T29173I.
Identifiers: ClinVar variation 535039 (VCV000535039.12), dbSNP rs1553521179, ClinGen allele CA349463938.

ClinVar aggregate classification (germline): Uncertain significance (1 of 4 stars; one submission).

Conditions:
Autosomal recessive limb-girdle muscular dystrophy type 2J (LGMDR10). Also called: Limb-girdle muscular dystrophy, type 2J; MUSCULAR DYSTROPHY, LIMB-GIRDLE, AUTOSOMAL RECESSIVE 10. Identifiers: Orphanet 140922, MedGen C1837342, MONDO:0012127, OMIM 608807.
Dilated cardiomyopathy 1G (CMD1G). Identifiers: Orphanet 154, MedGen C1858763, MONDO:0011400, OMIM 604145.

Submission:

Labcorp Genetics (formerly Invitae), Labcorp
Classification: Uncertain significance for Dilated cardiomyopathy 1G; Autosomal recessive limb-girdle muscular dystrophy type 2J. Last evaluated: 2024-12-22. Review status: criteria provided, single submitter. Criteria: Invitae Variant Classification Sherloc (09022015). Collection method: clinical testing. Allele origin: germline.
Comment: This sequence change replaces threonine, which is neutral and polar, with isoleucine, which is neutral and non-polar, at codon 31741 of the TTN protein (p.Thr31741Ile). This variant is not present in population databases (gnomAD no frequency). This missense change has been observed in individual(s) with dilated cardiomyopathy (internal data). ClinVar contains an entry for this variant (Variation ID: 535039). Experimental studies and prediction algorithms are not available or were not evaluated, and the functional significance of this variant is currently unknown. This variant is located in the A band of TTN (PMID: 25589632). Variants in this region may be relevant for cardiac or neuromuscular disorders (PMID: 25589632, 23975875). In summary, the available evidence is currently insufficient to determine the role of this variant in disease. Therefore, it has been classified as a Variant of Uncertain Significance.

Literature cited by the submitters: PubMed 25589632; PubMed 23975875.